The following is an entry in ClinVar:

ClinVar aggregate classification (germline): Uncertain significance (1 of 4 stars; one submission).

Allele frequency attached by ClinVar (database versions not stated): TOPMed below 0.00001.
gnomAD v4.1: 5 of 1,609,144 alleles (0.00031%); highest among the groups gnomAD compares: African/African-American, 0.0013%; no homozygotes.

Submission:

Labcorp Genetics (formerly Invitae), Labcorp
Classification: Uncertain significance. Last evaluated: 2023-12-11. Review status: criteria provided, single submitter. Criteria: Invitae Variant Classification Sherloc (09022015). Collection method: clinical testing. Allele origin: germline.
Comment: This sequence change replaces arginine, which is basic and polar, with histidine, which is basic and polar, at codon 586 of the ASXL2 protein (p.Arg586His). This variant is present in population databases (no rsID available, gnomAD 0.007%). This variant has not been reported in the literature in individuals affected with ASXL2-related conditions. ClinVar contains an entry for this variant (Variation ID: 1948332). Advanced modeling of protein sequence and biophysical properties (such as structural, functional, and spatial information, amino acid conservation, physicochemical variation, residue mobility, and thermodynamic stability) performed at Invitae indicates that this missense variant is not expected to disrupt ASXL2 protein function with a negative predictive value of 80%. In summary, the available evidence is currently insufficient to determine the role of this variant in disease. Therefore, it has been classified as a Variant of Uncertain Significance.

NM_018263.6(ASXL2):c.1757G>A (p.Arg586His)

Gene: ASXL2 (ASXL transcriptional regulator 2; minus strand). Cytogenetic location: 2p23.3.
Variant type: single nucleotide variant.
Coding change: c.1757G>A on transcript NM_018263.6 (MANE Select); coding-DNA position 1757, G replaced by A.
Protein change: p.Arg586His; replaces arginine 586 with histidine.
Molecular consequence: missense variant.
Genome position (GRCh38, 1-based): chr2:25,749,799, C>T on the plus strand (G>A on the coding strand, the complement: ASXL2 is on the minus strand). VCF-style: chr2-25749799-C-T. GRCh37 (hg19) VCF-style: chr2-25972668-C-T.
Other names: c.1583G>A, p.Arg528His (NM_001369346.1); c.977G>A, p.Arg326His (NM_001369347.1); short protein forms R528H, R326H, R586H.
Identifiers: ClinVar variation 1948332 (VCV001948332.5), dbSNP rs1315401967, ClinGen allele CA346074324.
Genomic context (GRCh38, chr2:25,749,799, plus strand): 5'-TTGAGAAAGGGCTGTGGTGAGACCTGAAATGGCTGCTGGTGCTGGCGATTCTCAGTGACA[C>T]GTGGCCTCTTCTCCCAGCTCACAGGGGCCTCTTCTTGGGTGAGGGAAGACTTCCTCTTGA-3'
Protein context (NP_060733.4, residues 576-596): EAPVSWEKRP[Arg586His]VTENRQHQQP